The following is an entry in ClinVar:

ClinVar aggregate classification (germline): Benign/Likely benign. Review status: criteria provided, multiple submitters, no conflicts (2 of 4 stars). 8 submissions from 8 submitters: Benign (1); Likely benign (7). Last evaluated 2025-07-22.

Conditions:
Hereditary nonpolyposis colorectal neoplasms. Identifiers: MedGen C0009405, MeSH D003123.
Hereditary cancer-predisposing syndrome. Also called: Hereditary neoplastic syndrome; Neoplastic Syndromes, Hereditary; Tumor predisposition; Hereditary Cancer Syndrome. Identifiers: Orphanet 140162, MedGen C0027672, MeSH D009386, MONDO:0015356.
Lynch syndrome. Identifiers: Orphanet 144, MedGen C4552100, MONDO:0005835. Disease mechanism: loss of function.
Lynch syndrome 5 (LYNCH5). Also called: Hereditary non-polyposis colorectal cancer, type 5; Colorectal cancer, hereditary nonpolyposis, type 5. Identifiers: Orphanet 144, MedGen C1833477, MONDO:0013710, OMIM 614350. Disease mechanism: loss of function.

Allele frequency attached by ClinVar (database versions not stated): gnomAD exomes 0.00001.
gnomAD v4.1: 5 of 1,614,208 alleles (0.00031%); highest among the groups gnomAD compares: Non-Finnish European, 0.00042%; no homozygotes.

Submissions (8):

Labcorp Genetics (formerly Invitae), Labcorp
Classification: Likely benign for Hereditary nonpolyposis colorectal neoplasms. Last evaluated: 2025-07-22. Review status: criteria provided, single submitter. Criteria: Invitae Variant Classification Sherloc (09022015). Collection method: clinical testing. Allele origin: germline.

Myriad Genetics, Inc.
Classification: Benign for Lynch syndrome 5. Last evaluated: 2024-12-30. Review status: criteria provided, single submitter. Criteria: Myriad Autosomal Dominant, Autosomal Recessive and X-Linked Classification Criteria (2023). Collection method: clinical testing. Allele origin: unknown.
Comment: This variant is considered benign. This variant is a silent/synonymous amino acid change and it is not expected to impact splicing.

All of Us Research Program, National Institutes of Health
Classification: Likely benign for Lynch syndrome. Last evaluated: 2024-05-14. Review status: criteria provided, single submitter. Criteria: ACMG Guidelines, 2015. Collection method: clinical testing. Allele origin: germline. Inheritance: Autosomal dominant inheritance. Observed: 1 variant allele, 1 heterozygote.
Comment: This study involves interpretation of variants in research participants for the purpose of population health screening. Participant phenotype was not available at the time of variant classification. Additional details can be found in publication PMID: 35346344, PMCID: PMC8962531

ARUP Laboratories, Molecular Genetics and Genomics, ARUP Laboratories
Classification: Likely benign. Last evaluated: 2023-12-13. Review status: criteria provided, single submitter. Criteria: ARUP Molecular Germline Variant Investigation Process 2024. Collection method: clinical testing. Allele origin: germline.

Sema4
Classification: Likely benign for Hereditary cancer-predisposing syndrome. Last evaluated: 2021-10-27. Review status: criteria provided, single submitter. Criteria: Sema4 Curation Guidelines. Collection method: curation. Allele origin: germline.

GeneDx
Classification: Likely benign. Last evaluated: 2020-03-28. Review status: criteria provided, single submitter. Criteria: GeneDx Variant Classification Process June 2021. Collection method: clinical testing. Allele origin: germline. Affected: yes.

Color Diagnostics, LLC DBA Color Health
Classification: Likely benign for Hereditary cancer-predisposing syndrome. Last evaluated: 2018-08-07. Review status: criteria provided, single submitter. Criteria: ACMG Guidelines, 2015. Collection method: clinical testing. Allele origin: germline.

Ambry Genetics
Classification: Likely benign for Hereditary cancer-predisposing syndrome. Last evaluated: 2017-05-16. Review status: criteria provided, single submitter. Criteria: Ambry Variant Classification Scheme 2023. Collection method: clinical testing. Allele origin: germline.

NM_000179.3(MSH6):c.2142T>C (p.Ser714=)

Gene: MSH6 (mutS homolog 6; plus strand). Cytogenetic location: 2p16.3.
Variant type: single nucleotide variant.
Coding change: c.2142T>C on transcript NM_000179.3 (MANE Select); coding-DNA position 2142, T replaced by C.
Protein change: p.Ser714=; no amino-acid change (serine 714 retained).
Molecular consequence: synonymous variant.
Genome position (GRCh38, 1-based): chr2:47,800,125, T>C. VCF-style: chr2-47800125-T-C. GRCh37 (hg19) VCF-style: chr2-48027264-T-C.
Other names: c.1752T>C, p.Ser584= (NM_001281492.2); c.1236T>C, p.Ser412= (NM_001281493.2, NM_001281494.2).
Identifiers: ClinVar variation 184669 (VCV000184669.23), dbSNP rs786201606, ClinGen allele CA009731.